The following is an entry in ClinVar:

NM_031935.3(HMCN1):c.7999C>T (p.Pro2667Ser)

Gene: HMCN1 (hemicentin 1; plus strand). Cytogenetic location: 1q31.1.
Variant type: single nucleotide variant.
Coding change: c.7999C>T on transcript NM_031935.3 (MANE Select); coding-DNA position 7999, C replaced by T.
Protein change: p.Pro2667Ser; replaces proline 2667 with serine.
Molecular consequence: missense variant.
Genome position (GRCh38, 1-based): chr1:186,070,617, C>T. VCF-style: chr1-186070617-C-T. GRCh37 (hg19) VCF-style: chr1-186039749-C-T.
Other names: short protein forms P2667S.
Identifiers: ClinVar variation 2039909 (VCV002039909.4), dbSNP rs2527802493, ClinGen allele CA343909760.
Genomic context (GRCh38, chr1:186,070,617, plus strand): 5'-ATTCCATGTATTGAAAATAACCAATGTCTAACTCTTTAATATTTATTTTATGCAGTTCCA[C>T]CCATAATCAATAAAGGGGACCTTTGGGGGCCAGGTCTTTCCCCTAAAGAAGTGAAGATCA-3'
Protein context (NP_114141.2, residues 2657-2677): KHYEVKVYIP[Pro2667Ser]IINKGDLWGP

ClinVar aggregate classification (germline): Uncertain significance (1 of 4 stars; one submission).

Allele frequency attached by ClinVar (database versions not stated): gnomAD exomes below 0.00001.
gnomAD v4.1: 1 of 1,611,796 alleles (0.000062%); highest among the groups gnomAD compares: Non-Finnish European, 0.000085%; no homozygotes.

Submission:

Labcorp Genetics (formerly Invitae), Labcorp
Classification: Uncertain significance. Last evaluated: 2022-07-09. Review status: criteria provided, single submitter. Criteria: Invitae Variant Classification Sherloc (09022015). Collection method: clinical testing. Allele origin: germline.
Comment: This sequence change replaces proline, which is neutral and non-polar, with serine, which is neutral and polar, at codon 2667 of the HMCN1 protein (p.Pro2667Ser). This variant is not present in population databases (gnomAD no frequency). This variant has not been reported in the literature in individuals affected with HMCN1-related conditions. Algorithms developed to predict the effect of missense changes on protein structure and function (SIFT, PolyPhen-2, Align-GVGD) all suggest that this variant is likely to be disruptive. In summary, the available evidence is currently insufficient to determine the role of this variant in disease. Therefore, it has been classified as a Variant of Uncertain Significance.